The following is an entry in ClinVar:

NM_000186.4(CFH):c.3680C>T (p.Thr1227Ile)

Gene: CFH (complement factor H; plus strand). Cytogenetic location: 1q31.3.
Variant type: single nucleotide variant.
Coding change: c.3680C>T on transcript NM_000186.4 (MANE Select); coding-DNA position 3680, C replaced by T.
Protein change: p.Thr1227Ile; replaces threonine 1227 with isoleucine.
Molecular consequence: missense variant.
Genome position (GRCh38, 1-based): chr1:196,747,297, C>T. VCF-style: chr1-196747297-C-T. GRCh37 (hg19) VCF-style: chr1-196716427-C-T.
Other names: short protein forms T1227I.
Identifiers: ClinVar variation 4291646 (VCV004291646.1).

ClinVar aggregate classification (germline): Uncertain significance (1 of 4 stars; one submission).

Conditions:
Age related macular degeneration 4. Identifiers: MedGen C1853147, MONDO:0012540, OMIM 610698.

gnomAD v4.1: 12 of 1,614,030 alleles (0.00074%); highest among the groups gnomAD compares: Non-Finnish European, 0.00093%; no homozygotes.

Submission:

Genomenon, Inc
Classification: Uncertain significance for Age related macular degeneration 4. Last evaluated: 2025-10-02. Review status: criteria provided, single submitter. Criteria: Genomenon Sequence Variant Interpretation Standards - Updated. Collection method: curation. Allele origin: germline. Affected: yes.
Comment: CFH p.Thr1227Ile (c.3680C>T) is a missense variant that changes the amino acid at residue 1227 from Threonine to Isoleucine. This variant has been observed in at least one proband affected with age-related macular degeneration (PMID:26501415). It is absent or not present at a significant frequency in gnomAD. In silico models agree that this variant is not damaging. In conclusion, we classify CFH p.Thr1227Ile (c.3680C>T) as a variant of uncertain significance.

Literature cited by the submitters: PubMed 26501415.